The following is an entry in ClinVar:

ClinVar aggregate classification (germline): Uncertain significance (1 of 4 stars; one submission).

gnomAD v4.1: 2 of 1,613,920 alleles (0.00012%); highest among the groups gnomAD compares: Admixed American, 0.0017%; no homozygotes.

Submission:

GeneDx
Classification: Uncertain significance. Last evaluated: 2024-10-14. Review status: criteria provided, single submitter. Criteria: GeneDx Variant Classification Process June 2021. Collection method: clinical testing. Allele origin: germline. Affected: yes.
Comment: Not observed at significant frequency in large population cohorts (gnomAD); In silico analysis supports that this missense variant has a deleterious effect on protein structure/function; Has not been previously published as pathogenic or benign to our knowledge

NM_006421.5(ARFGEF1):c.575C>T (p.Thr192Ile)

Gene: ARFGEF1 (ARF guanine nucleotide exchange factor 1; minus strand). Cytogenetic location: 8q13.2.
Variant type: single nucleotide variant.
Coding change: c.575C>T on transcript NM_006421.5 (MANE Select); coding-DNA position 575, C replaced by T.
Protein change: p.Thr192Ile; replaces threonine 192 with isoleucine.
Molecular consequence: missense variant. On other transcripts: 5 prime UTR variant (4), non-coding transcript variant (1).
Genome position (GRCh38, 1-based): chr8:67,296,495, G>A on the plus strand (C>T on the coding strand, the complement: ARFGEF1 is on the minus strand). VCF-style: chr8-67296495-G-A. GRCh37 (hg19) VCF-style: chr8-68208730-G-A.
Other names: c.575C>T, p.Thr192Ile (NM_001413184.1, NM_001413185.1, NM_001413186.1 and 7 more transcripts); c.-26C>T (NM_001413188.1, NM_001413193.1, NM_001413197.1); c.-541C>T (NM_001413196.1); short protein forms T192I.
Identifiers: ClinVar variation 3777379 (VCV003777379.1).